The following is an entry in ClinVar:

ClinVar aggregate classification (germline): Likely pathogenic (1 of 4 stars; one submission).

Conditions:
Primary ciliary dyskinesia. Also called: Ciliary dyskinesia. Identifiers: Orphanet 244, MedGen C0008780, MONDO:0016575, HP:0012265.

Submission:

Labcorp Genetics (formerly Invitae), Labcorp
Classification: Likely pathogenic for Primary ciliary dyskinesia. Last evaluated: 2025-02-09. Review status: criteria provided, single submitter. Criteria: Invitae Variant Classification Sherloc (09022015). Collection method: clinical testing. Allele origin: germline.
Comment: This sequence change affects an acceptor splice site in intron 43 of the DNAH11 gene. It is expected to disrupt RNA splicing. Variants that disrupt the donor or acceptor splice site typically lead to a loss of protein function (PMID: 16199547), and loss-of-function variants in DNAH11 are known to be pathogenic (PMID: 18022865, 20513915, 22184204). This variant is not present in population databases (gnomAD no frequency). This variant has not been reported in the literature in individuals affected with DNAH11-related conditions. Algorithms developed to predict the effect of sequence changes on RNA splicing suggest that this variant may disrupt the consensus splice site. In summary, the currently available evidence indicates that the variant is pathogenic, but additional data are needed to prove that conclusively. Therefore, this variant has been classified as Likely Pathogenic.

Literature cited by the submitters: PubMed 16199547; PubMed 18022865; PubMed 20513915; PubMed 22184204.

NM_001277115.2(DNAH11):c.7135-1G>C

Gene: DNAH11 (dynein axonemal heavy chain 11; plus strand). Cytogenetic location: 7p15.3.
Variant type: single nucleotide variant.
Coding change: c.7135-1G>C on transcript NM_001277115.2 (MANE Select); the canonical splice acceptor site of the intron before coding-DNA position 7135, G replaced by C.
Molecular consequence: splice acceptor variant.
Genome position (GRCh38, 1-based): chr7:21,720,724, G>C. VCF-style: chr7-21720724-G-C. GRCh37 (hg19) VCF-style: chr7-21760342-G-C.
Identifiers: ClinVar variation 4712647 (VCV004712647.1).